The following is an entry in ClinVar:

ClinVar aggregate classification (germline): Uncertain significance (1 of 4 stars; one submission).

Conditions:
Mitochondrial DNA depletion syndrome 13. Also called: FBXL4-Related Encephalomyopathic Mitochondrial DNA Depletion Syndrome; Mitochondrial DNA depletion syndrome 13 (encephalomyopathic type). Identifiers: Orphanet 369897, MedGen C3809592, MONDO:0014198, OMIM 615471.

Allele frequency attached by ClinVar (database versions not stated): 1000 Genomes Project 0.00020; TOPMed 0.00002; 1000 Genomes Project 30x 0.00016; gnomAD exomes below 0.00001 and 0.00002; ExAC 0.00001; gnomAD 0.00001 and 0.00002.
gnomAD v4.1: 26 of 1,614,000 alleles (0.0016%); highest among the groups gnomAD compares: Non-Finnish European, 0.0022%; no homozygotes.

Submission:

Wong Mito Lab, Molecular and Human Genetics, Baylor College of Medicine
Classification: Uncertain significance for Mitochondrial DNA depletion syndrome 13. Last evaluated: 2017-08-10. Review status: criteria provided, single submitter. Criteria: ACMG Guidelines, 2015. Collection method: reference population. Allele origin: germline.
Comment: The NM_012160.4:c.923A>G (NP_036292.2:p.Lys308Arg) [GRCH38: NC_000006.12:g.98905606T>C] variant in FBXL4 gene is interpretated to be a Uncertain Significance - Conflicting Evidence based on ACMG guidelines (PMID: 25741868). This variant meets one or more of the following evidence codes reported in the ACMG-guideline. PM2:This variant is absent in key population databases. BP4:Computational evidence/predictors indicate no impact on the FBXL4 structure, function, or protein-protein interaction. Based on this evidence code ClinGen Pathogenicity Calculator (PMID:28081714) suggested that the variant is Uncertain Significance - Conflicting Evidence.

NM_001278716.2(FBXL4):c.923A>G (p.Lys308Arg)

Gene: FBXL4 (F-box and leucine rich repeat protein 4; minus strand). Cytogenetic location: 6q16.2.
Variant type: single nucleotide variant.
Coding change: c.923A>G on transcript NM_001278716.2 (MANE Select); coding-DNA position 923, A replaced by G.
Protein change: p.Lys308Arg; replaces lysine 308 with arginine.
Molecular consequence: missense variant. On other transcripts: non-coding transcript variant (2).
Genome position (GRCh38, 1-based): chr6:98,905,606, T>C on the plus strand (A>G on the coding strand, the complement: FBXL4 is on the minus strand). VCF-style: chr6-98905606-T-C. GRCh37 (hg19) VCF-style: chr6-99353482-T-C.
Other names: c.923A>G, p.Lys308Arg (NM_012160.5); short protein forms K308R.
Identifiers: ClinVar variation 437657 (VCV000437657.1), dbSNP rs115004708, ClinGen allele CA3933582.